The following is an entry in ClinVar:

ClinVar aggregate classification (germline): Conflicting classifications of pathogenicity. Review status: criteria provided, conflicting classifications (1 of 4 stars). 5 submissions from 5 submitters: Uncertain significance (4); Likely benign (1). Last evaluated 2025-06-18.

Conditions:
Familial melanoma. Also called: Hereditary melanoma; Hereditary cutaneous melanoma. Identifiers: Orphanet 618, MedGen C1512419, MONDO:0018961.
Hereditary cancer-predisposing syndrome. Also called: Tumor predisposition; Neoplastic Syndromes, Hereditary; Hereditary Cancer Syndrome; Hereditary neoplastic syndrome. Identifiers: Orphanet 140162, MedGen C0027672, MeSH D009386, MONDO:0015356.

Submissions (5):

Labcorp Genetics (formerly Invitae), Labcorp
Classification: Uncertain significance for Familial melanoma. Last evaluated: 2025-06-18. Review status: criteria provided, single submitter. Criteria: Invitae Variant Classification Sherloc (09022015). Collection method: clinical testing. Allele origin: germline.
Comment: This sequence change replaces aspartic acid, which is acidic and polar, with asparagine, which is neutral and polar, at codon 156 of the CDKN2A (p16INK4a) protein (p.Asp156Asn). This variant is not present in population databases (gnomAD no frequency). This variant has not been reported in the literature in individuals affected with CDKN2A (p16INK4a)-related conditions. ClinVar contains an entry for this variant (Variation ID: 629192). An algorithm developed to predict the effect of missense changes on protein structure and function outputs the following: PolyPhen-2: "Benign". The asparagine amino acid residue is found in multiple mammalian species, which suggests that this missense change does not adversely affect protein function. In summary, the available evidence is currently insufficient to determine the role of this variant in disease. Therefore, it has been classified as a Variant of Uncertain Significance.

Quest Diagnostics Nichols Institute San Juan Capistrano
Classification: Uncertain significance. Last evaluated: 2025-04-29. Review status: criteria provided, single submitter. Criteria: Quest Diagnostics criteria. Collection method: clinical testing. Allele origin: unknown.
Comment: The CDKN2A c.466G>A (p.Asp156Asn) variant has not been reported in individuals with CDKN2A-related conditions in the published literature. It also has not been reported in large, multi-ethnic general populations (Genome Aggregation Database). Analysis of this variant using bioinformatics tools for the prediction of the effect of amino acid changes on protein structure and function yielded predictions that this variant is benign. Based on the available information, we are unable to determine the clinical significance of this variant.

Ambry Genetics
Classification: Likely benign for Hereditary cancer-predisposing syndrome. Last evaluated: 2024-08-05. Review status: criteria provided, single submitter. Criteria: Ambry Variant Classification Scheme 2023. Collection method: clinical testing. Allele origin: germline.

GeneDx
Classification: Uncertain significance. Last evaluated: 2023-09-06. Review status: criteria provided, single submitter. Criteria: GeneDx Variant Classification Process June 2021. Collection method: clinical testing. Allele origin: germline. Affected: yes.
Comment: Not observed at significant frequency in large population cohorts (gnomAD); In silico analysis supports that this missense variant does not alter protein structure/function; Has not been previously published as pathogenic or benign to our knowledge

Color Diagnostics, LLC DBA Color Health
Classification: Uncertain significance for Hereditary cancer-predisposing syndrome. Last evaluated: 2019-09-18. Review status: criteria provided, single submitter. Criteria: ACMG Guidelines, 2015. Collection method: clinical testing. Allele origin: germline.
Comment: This missense variant replaces aspartic acid with asparagine at codon 156 of the CDKN2A (p16INK4A) protein. Splice site prediction tools suggest that this variant may not impact RNA splicing. To our knowledge, functional studies have not been performed for this variant. This variant has not been reported in individuals affected with hereditary cancer in the literature. This variant has not been identified in the general population by the Genome Aggregation Database (gnomAD). The available evidence is insufficient to determine the role of this variant in disease conclusively. Therefore, this variant is classified as a Variant of Uncertain Significance.

NM_000077.5(CDKN2A):c.466G>A (p.Asp156Asn)

Gene: CDKN2A (cyclin dependent kinase inhibitor 2A; minus strand). Cytogenetic location: 9p21.3.
Variant type: single nucleotide variant.
Coding change: c.466G>A on transcript NM_000077.5; coding-DNA position 466, G replaced by A.
Protein change: p.Asp156Asn; replaces aspartic acid 156 with asparagine.
Molecular consequence: missense variant (on NM_000077.6). On other transcripts: 3 prime UTR variant (3).
Genome position (GRCh38, 1-based): chr9:21,968,234, C>T on the plus strand (G>A on the coding strand, the complement: CDKN2A is on the minus strand). VCF-style: chr9-21968234-C-T. GRCh37 (hg19) VCF-style: chr9-21968233-C-T.
Other names: c.466G>A, p.Asp156Asn (NM_000077.6); c.*159G>A (NM_001195132.2); c.313G>A, p.Asp105Asn (NM_001363763.2); c.*110G>A (NM_058195.4); c.*389G>A (NM_058197.5); short protein forms D156N, D105N.
Identifiers: ClinVar variation 629192 (VCV000629192.15), dbSNP rs755445934, ClinGen allele CA373085063.